The following is an entry in ClinVar:

ClinVar aggregate classification (germline): Pathogenic (1 of 4 stars; one submission).

Conditions:
Primary ciliary dyskinesia. Also called: Ciliary dyskinesia. Identifiers: Orphanet 244, MedGen C0008780, MONDO:0016575, HP:0012265.

Submission:

Labcorp Genetics (formerly Invitae), Labcorp
Classification: Pathogenic for Primary ciliary dyskinesia. Last evaluated: 2021-10-03. Review status: criteria provided, single submitter. Criteria: Invitae Variant Classification Sherloc (09022015). Collection method: clinical testing. Allele origin: germline.
Comment: For these reasons, this variant has been classified as Pathogenic. This variant has not been reported in the literature in individuals affected with DNAI2-related conditions. This variant is not present in population databases (ExAC no frequency). This sequence change creates a premature translational stop signal (p.Arg459Glyfs*37) in the DNAI2 gene. It is expected to result in an absent or disrupted protein product. Loss-of-function variants in DNAI2 are known to be pathogenic (PMID: 18950741, 23891469).

Literature cited by the submitters: PubMed 18950741; PubMed 23891469.

NM_023036.6(DNAI2):c.1375del (p.Arg459fs)

Gene: DNAI2 (dynein axonemal intermediate chain 2; plus strand). Cytogenetic location: 17q25.1.
Variant type: Deletion.
Coding change: c.1375del on transcript NM_023036.6 (MANE Select); coding-DNA position 1375, one base deleted (C; older notation c.1375delC).
Protein change: p.Arg459fs; shifts the reading frame from arginine 459.
Molecular consequence: frameshift variant. On other transcripts: non-coding transcript variant (1), intron variant (1).
Genome position (GRCh38, 1-based): chr17:74,310,044, C deleted; the last of 2 consecutive C bases (chr17:74,310,043-74,310,044); deleting either gives the same sequence. VCF-style (leftmost placement, unchanged base first): chr17-74310042-TC-T. GRCh37 (hg19) VCF-style: chr17-72306181-TC-T.
Other names: c.1375del, p.Arg459fs (NM_001353167.2); c.1348-9del (NM_001172810.3); short protein forms R459fs.
Identifiers: ClinVar variation 1456236 (VCV001456236.6), dbSNP rs2144112583, ClinGen allele CA2573154873.
Genomic context (GRCh38, chr17:74,310,042, plus strand): 5'-CTCCTCTACCTGGGTCTGCCCGGCCCCTTCAATAGGTGTGTGACGAGGCCCTCTTCTGCC[TC>T]CGGGTGCAGGACAATGGGTGTCTCATCGCCTGCGGCTCCCAGCTGGGGACAACCACCCTG-3'